The following is an entry in ClinVar:

ClinVar aggregate classification (germline): Likely benign. Review status: criteria provided, multiple submitters, no conflicts (2 of 4 stars). 5 submissions from 5 submitters: Likely benign (5). Last evaluated 2026-02-10.

Conditions:
Infantile-onset ascending hereditary spastic paralysis (IAHSP). Also called: Autosomal Recessive Juvenile Amyotrophic Lateral Sclerosis; Infantile-Onset Ascending Hereditary Spastic Paralysis (IAHSP). Identifiers: Orphanet 293168, MedGen C2931441, MONDO:0011797, OMIM 607225. Disease mechanism: loss of function.
ALS2-related disorder. Also called: ALS2-related condition; ALS2-Related Spectrum Disorders; ALS2-related disorders. Identifiers: MedGen CN169291.

Allele frequency attached by ClinVar (database versions not stated): ESP Exome Variant Server 0.00008; ExAC 0.00009; gnomAD exomes 0.00010 and 0.00014; gnomAD 0.00016 and 0.00018; TOPMed 0.00021.
gnomAD v4.1: 181 of 1,613,344 alleles (0.011%); highest among the groups gnomAD compares: Admixed American, 0.068%; no homozygotes.

Submissions (5):

PreventionGenetics, part of Exact Sciences
Classification: Likely benign for ALS2-related condition. Last evaluated: 2026-02-10. Review status: criteria provided, single submitter. Criteria: ACMG Guidelines, 2015. Collection method: clinical testing. Allele origin: germline.
Comment: This variant is classified as likely benign based on ACMG/AMP sequence variant interpretation guidelines (Richards et al. 2015 PMID: 25741868, with internal and published modifications).

Labcorp Genetics (formerly Invitae), Labcorp
Classification: Likely benign for Infantile-onset ascending hereditary spastic paralysis. Last evaluated: 2025-09-22. Review status: criteria provided, single submitter. Criteria: Invitae Variant Classification Sherloc (09022015). Collection method: clinical testing. Allele origin: germline.

Mayo Clinic Laboratories, Mayo Clinic
Classification: Likely benign. Last evaluated: 2025-07-14. Review status: criteria provided, single submitter. Criteria: ACMG Guidelines, 2015. Collection method: clinical testing. Allele origin: germline. Observed: 1 variant allele.
Comment: BP4, BP7

CeGaT Center for Human Genetics Tuebingen
Classification: Likely benign. Last evaluated: 2023-05-01. Review status: criteria provided, single submitter. Criteria: CeGaT Center For Human Genetics Tuebingen Variant Classification Criteria Version 2. Collection method: clinical testing. Allele origin: germline. Affected: yes. Observed: 1 variant allele.
Comment: ALS2: BP4, BP7

GeneDx
Classification: Likely benign. Last evaluated: 2021-04-23. Review status: criteria provided, single submitter. Criteria: GeneDx Variant Classification Process June 2021. Collection method: clinical testing. Allele origin: germline. Affected: yes.

NM_020919.4(ALS2):c.1164C>T (p.Ser388=)

Gene: ALS2 (alsin Rho guanine nucleotide exchange factor ALS2; minus strand). Cytogenetic location: 2q33.1.
Variant type: single nucleotide variant.
Coding change: c.1164C>T on transcript NM_020919.4 (MANE Select); coding-DNA position 1164, C replaced by T.
Protein change: p.Ser388=; no amino-acid change (serine 388 retained).
Molecular consequence: synonymous variant.
Genome position (GRCh38, 1-based): chr2:201,757,709, G>A on the plus strand (C>T on the coding strand, the complement: ALS2 is on the minus strand). VCF-style: chr2-201757709-G-A. GRCh37 (hg19) VCF-style: chr2-202622432-G-A.
Other names: p.Ser388=.
Identifiers: ClinVar variation 699646 (VCV000699646.38), dbSNP rs372566343, ClinGen allele CA2058503.